The following is an entry in ClinVar:

NM_001197104.2(KMT2A):c.6577_6582del (p.Ile2193_Gly2194del)

Gene: KMT2A (lysine methyltransferase 2A; plus strand). Cytogenetic location: 11q23.3.
Variant type: Deletion.
Coding change: c.6577_6582del on transcript NM_001197104.2 (MANE Select); coding-DNA positions 6577 to 6582, 6 bases deleted (ATTGGC; older notation c.6577_6582delATTGGC).
Protein change: p.Ile2193_Gly2194del.
Molecular consequence: inframe deletion.
Genome position (GRCh38, 1-based): chr11:118,502,469-118,502,474, ATTGGC deleted; deleting any 6 consecutive bases within chr11:118,502,467-118,502,474 gives the same sequence; the c. name uses the placement nearest the transcript's 3' end. VCF-style (leftmost placement, unchanged base first): chr11-118502466-AGCATTG-A. GRCh37 (hg19) VCF-style: chr11-118373181-AGCATTG-A.
Other names: c.6568_6573del, p.Ile2190_Gly2191del (NM_005933.4).
Identifiers: ClinVar variation 1503571 (VCV001503571.8), dbSNP rs2134384447, ClinGen allele CA2573147036.

ClinVar aggregate classification (germline): Uncertain significance (1 of 4 stars; one submission).

Submission:

Labcorp Genetics (formerly Invitae), Labcorp
Classification: Uncertain significance. Last evaluated: 2022-11-01. Review status: criteria provided, single submitter. Criteria: Invitae Variant Classification Sherloc (09022015). Collection method: clinical testing. Allele origin: germline.
Comment: ClinVar contains an entry for this variant (Variation ID: 1503571). This variant, c.6577_6582del, results in the deletion of 2 amino acid(s) of the KMT2A protein (p.Ile2193_Gly2194del), but otherwise preserves the integrity of the reading frame. This variant is not present in population databases (gnomAD no frequency). This variant has not been reported in the literature in individuals affected with KMT2A-related conditions. Experimental studies and prediction algorithms are not available or were not evaluated, and the functional significance of this variant is currently unknown. In summary, the available evidence is currently insufficient to determine the role of this variant in disease. Therefore, it has been classified as a Variant of Uncertain Significance.